The following is an entry in ClinVar:

ClinVar aggregate classification (germline): Uncertain significance (1 of 4 stars; one submission).

Conditions:
Inborn genetic diseases. Identifiers: MedGen C0950123, MeSH D030342.

Allele frequency attached by ClinVar (database versions not stated): TOPMed 0.00001; gnomAD exomes 0.00002.
gnomAD v4.1: 22 of 1,614,128 alleles (0.0014%); highest among the groups gnomAD compares: East Asian, 0.0045%; no homozygotes.

Submission:

Ambry Genetics
Classification: Uncertain significance for Inborn genetic diseases. Last evaluated: 2021-04-21. Review status: criteria provided, single submitter. Criteria: Ambry Variant Classification Scheme 2023. Collection method: clinical testing. Allele origin: germline.
Comment: The c.2554T>C (p.S852P) alteration is located in exon 23 (coding exon 23) of the RAB3GAP2 gene. This alteration results from a T to C substitution at nucleotide position 2554, causing the serine (S) at amino acid position 852 to be replaced by a proline (P). The p.S852P alteration is predicted to be tolerated by in silico analysis. Based on insufficient or conflicting evidence, the clinical significance of this alteration remains unclear.

NM_012414.4(RAB3GAP2):c.2554T>C (p.Ser852Pro)

Gene: RAB3GAP2 (RAB3 GTPase activating non-catalytic protein subunit 2; minus strand). Cytogenetic location: 1q41.
Variant type: single nucleotide variant.
Coding change: c.2554T>C on transcript NM_012414.4 (MANE Select); coding-DNA position 2554, T replaced by C.
Protein change: p.Ser852Pro; replaces serine 852 with proline.
Molecular consequence: missense variant.
Genome position (GRCh38, 1-based): chr1:220,171,912, A>G on the plus strand (T>C on the coding strand, the complement: RAB3GAP2 is on the minus strand). VCF-style: chr1-220171912-A-G. GRCh37 (hg19) VCF-style: chr1-220345254-A-G.
Other names: short protein forms S852P.
Identifiers: ClinVar variation 2230166 (VCV002230166.2), dbSNP rs1347348727, ClinGen allele CA344638327.